The following is an entry in ClinVar:

NM_152383.5(DIS3L2):c.2368G>A (p.Gly790Ser)

Gene: DIS3L2 (DIS3 like 3'-5' exoribonuclease 2; plus strand). Cytogenetic location: 2q37.1.
Variant type: single nucleotide variant.
Coding change: c.2368G>A on transcript NM_152383.5 (MANE Select); coding-DNA position 2368, G replaced by A.
Protein change: p.Gly790Ser; replaces glycine 790 with serine.
Molecular consequence: missense variant. On other transcripts: non-coding transcript variant (2), intron variant (1).
Genome position (GRCh38, 1-based): chr2:232,334,709, G>A. VCF-style: chr2-232334709-G-A. GRCh37 (hg19) VCF-style: chr2-233199419-G-A.
Other names: c.1582-8636G>A (NM_001257281.2); short protein forms G790S.
Identifiers: ClinVar variation 571890 (VCV000571890.8), dbSNP rs367835194, ClinGen allele CA2164513.

ClinVar aggregate classification (germline): Uncertain significance (1 of 4 stars; one submission).

Conditions:
Perlman syndrome (PRLMNS). Identifiers: Orphanet 2849, MedGen C0796113, MONDO:0009965, OMIM 267000.

Allele frequency attached by ClinVar (database versions not stated): gnomAD 0.00001 and 0.00002; gnomAD exomes 0.00001; ExAC 0.00002; TOPMed 0.00002; ESP Exome Variant Server 0.00008.
gnomAD v4.1: 12 of 1,608,926 alleles (0.00075%); highest among the groups gnomAD compares: Admixed American, 0.0017%; no homozygotes.

Submission:

Labcorp Genetics (formerly Invitae), Labcorp
Classification: Uncertain significance for Perlman syndrome. Last evaluated: 2025-09-15. Review status: criteria provided, single submitter. Criteria: Invitae Variant Classification Sherloc (09022015). Collection method: clinical testing. Allele origin: germline.
Comment: This sequence change replaces glycine, which is neutral and non-polar, with serine, which is neutral and polar, at codon 790 of the DIS3L2 protein (p.Gly790Ser). The frequency data for this variant in the population databases is considered unreliable, as metrics indicate poor data quality at this position in the gnomAD database. This variant has not been reported in the literature in individuals affected with DIS3L2-related conditions. ClinVar contains an entry for this variant (Variation ID: 571890). Invitae Evidence Modeling of protein sequence and biophysical properties (such as structural, functional, and spatial information, amino acid conservation, physicochemical variation, residue mobility, and thermodynamic stability) has been performed for this missense variant. However, the output from this modeling did not meet the statistical confidence thresholds required to predict the impact of this variant on DIS3L2 protein function. RNA analysis performed to evaluate the impact of this missense change on mRNA splicing indicates it does not significantly alter splicing (internal data). In summary, the available evidence is currently insufficient to determine the role of this variant in disease. Therefore, it has been classified as a Variant of Uncertain Significance.